The following is an entry in ClinVar:

NM_000361.3(THBD):c.44T>C (p.Leu15Pro)

Gene: THBD (thrombomodulin; minus strand). Cytogenetic location: 20p11.21.
Variant type: single nucleotide variant.
Coding change: c.44T>C on transcript NM_000361.3 (MANE Select); coding-DNA position 44, T replaced by C.
Protein change: p.Leu15Pro; replaces leucine 15 with proline.
Molecular consequence: missense variant.
Genome position (GRCh38, 1-based): chr20:23,049,461, A>G on the plus strand (T>C on the coding strand, the complement: THBD is on the minus strand). VCF-style: chr20-23049461-A-G. GRCh37 (hg19) VCF-style: chr20-23030098-A-G.
Other names: short protein forms L15P.
Identifiers: ClinVar variation 4766741 (VCV004766741.1).
Genomic context (GRCh38, chr20:23,049,461, plus strand): 5'-CAGTCGTGCTCGACGCACTGGCTGCCACCCGGCTGCGGCTCTGCGGGTGCGGGGAACCCC[A>G]GGCCGGCCAGGGCCAGCGCGCCAAGGACCAGGACCCCAAGCATGTTACCCAGGCGCGCCG-3'
Protein context (NP_000352.1, residues 5-25): LVLGALALAG[Leu15Pro]GFPAPAEPQP

ClinVar aggregate classification (germline): Uncertain significance (1 of 4 stars; one submission).

Submission:

Labcorp Genetics (formerly Invitae), Labcorp
Classification: Uncertain significance. Last evaluated: 2025-05-27. Review status: criteria provided, single submitter. Criteria: Invitae Variant Classification Sherloc (09022015). Collection method: clinical testing. Allele origin: germline.
Comment: This sequence change replaces leucine, which is neutral and non-polar, with proline, which is neutral and non-polar, at codon 15 of the THBD protein (p.Leu15Pro). This variant is not present in population databases (gnomAD no frequency). This variant has not been reported in the literature in individuals affected with THBD-related conditions. Invitae Evidence Modeling of protein sequence and biophysical properties (such as structural, functional, and spatial information, amino acid conservation, physicochemical variation, residue mobility, and thermodynamic stability) indicates that this missense variant is not expected to disrupt THBD protein function with a negative predictive value of 80%. In summary, the available evidence is currently insufficient to determine the role of this variant in disease. Therefore, it has been classified as a Variant of Uncertain Significance.